The following is an entry in ClinVar:

NM_000337.6(SGCD):c.699+40T>G

Gene: SGCD (sarcoglycan delta; plus strand). Cytogenetic location: 5q33.3.
Variant type: single nucleotide variant.
Coding change: c.699+40T>G on transcript NM_000337.6 (MANE Select); 40 bases into the intron after coding-DNA position 699, T replaced by G.
Molecular consequence: intron variant. On other transcripts: missense variant (1).
Genome position (GRCh38, 1-based): chr5:156,757,744, T>G. VCF-style: chr5-156757744-T-G. GRCh37 (hg19) VCF-style: chr5-156184755-T-G.
Other names: c.739T>G, p.Phe247Val (NM_172244.3); c.696+40T>G (NM_001128209.2); short protein forms F247V.
Identifiers: ClinVar variation 3907111 (VCV003907111.1).

ClinVar aggregate classification (germline): Likely benign (1 of 4 stars; one submission).

gnomAD v4.1: 1 of 1,585,328 alleles (0.000063%); highest among the groups gnomAD compares: African/African-American, 0.0013%; no homozygotes.

Submission:

Women's Health and Genetics/Laboratory Corporation of America, LabCorp
Classification: Likely benign. Last evaluated: 2025-06-16. Review status: criteria provided, single submitter. Criteria: LabCorp Variant Classification Summary - May 2015. Collection method: clinical testing. Allele origin: germline.
Comment: Variant summary: SGCD c.699+40T>G is located at a position not widely known to affect splicing. Consensus agreement among computation tools predict no significant impact on normal splicing. However, these predictions have yet to be confirmed by functional studies. The variant allele was found at a frequency of 6.3e-07 in 1585328 control chromosomes. The available data on variant occurrences in the general population are insufficient to allow any conclusion about variant significance. To our knowledge, no occurrence of c.699+40T>G in individuals affected with Autosomal recessive limb-girdle muscular dystrophy type 2F and no experimental evidence demonstrating its impact on protein function have been reported. No submitters have cited clinical-significance assessments for this variant to ClinVar. Based on the evidence outlined above, the variant was classified as likely benign.